The following is an entry in ClinVar:

ClinVar aggregate classification (germline): Uncertain significance (1 of 4 stars; one submission).

Conditions:
Noonan syndrome 8 (NS8). Identifiers: Orphanet 648, MedGen C3809233, MONDO:0014143, OMIM 615355.

Submission:

Diagnostics Services (NGS), CSIR - Centre For Cellular And Molecular Biology
Classification: Uncertain significance for Noonan syndrome 8. Last evaluated: 2023-02-27. Review status: criteria provided, single submitter. Criteria: ACMG Guidelines, 2015. Collection method: clinical testing. Allele origin: unknown. Affected: yes. Observed: 1 variant allele, 1 heterozygote.
Comment: The c.292A>T variant is not present in publicly available population databases like 1000 Genomes, ExAC, EVS, Indian Exome Database or our in-house exome database. This variant has neither been published in literature nor reported to clinical databases like ClinVar, Human Gene Mutation Database (HGMD) or OMIM, in any affected individuals. In silico pathogenicity prediction programs like SIFT, PolyPhen2, MutationTaster2, CADD etc predicted this variant to be likely deleterious, however these were not confirmed by published functional studies. The variant is located in a mutational hotspot region of the gene.

NM_006912.6(RIT1):c.292A>T (p.Ile98Phe)

Gene: RIT1 (Ras like without CAAX 1; minus strand). Cytogenetic location: 1q22.
Variant type: single nucleotide variant.
Coding change: c.292A>T on transcript NM_006912.6 (MANE Select); coding-DNA position 292, A replaced by T.
Protein change: p.Ile98Phe; replaces isoleucine 98 with phenylalanine.
Molecular consequence: missense variant.
Genome position (GRCh38, 1-based): chr1:155,904,448, T>A on the plus strand (A>T on the coding strand, the complement: RIT1 is on the minus strand). VCF-style: chr1-155904448-T-A. GRCh37 (hg19) VCF-style: chr1-155874239-T-A.
Other names: c.184A>T, p.Ile62Phe (NM_001256820.2); c.343A>T, p.Ile115Phe (NM_001256821.2); short protein forms I115F, I62F, I98F.
Identifiers: ClinVar variation 2430378 (VCV002430378.3), dbSNP rs2102584814, ClinGen allele CA342802678.